The following is an entry in ClinVar:

ClinVar aggregate classification (germline): Likely benign (1 of 4 stars; one submission).

Allele frequency attached by ClinVar (database versions not stated): ExAC 0.00011.
gnomAD v4.1: 4 of 1,488,098 alleles (0.00027%); highest among the groups gnomAD compares: South Asian, 0.0013%; no homozygotes.

Submission:

CeGaT Center for Human Genetics Tuebingen
Classification: Likely benign. Last evaluated: 2023-12-01. Review status: criteria provided, single submitter. Criteria: CeGaT Center For Human Genetics Tuebingen Variant Classification Criteria Version 2. Collection method: clinical testing. Allele origin: germline. Affected: yes. Observed: 2 variant alleles.
Comment: GLRX5: BP4, BP7

NM_016417.3(GLRX5):c.96G>A (p.Ala32=)

Gene: GLRX5 (glutaredoxin 5; plus strand). Cytogenetic location: 14q32.13.
Variant type: single nucleotide variant.
Coding change: c.96G>A on transcript NM_016417.3 (MANE Select); coding-DNA position 96, G replaced by A.
Protein change: p.Ala32=; no amino-acid change (alanine 32 retained).
Molecular consequence: synonymous variant.
Genome position (GRCh38, 1-based): chr14:95,535,185, G>A. VCF-style: chr14-95535185-G-A. GRCh37 (hg19) VCF-style: chr14-96001522-G-A.
Identifiers: ClinVar variation 2644498 (VCV002644498.24), dbSNP rs766056735, ClinGen allele CA7333877.